The following is an entry in ClinVar:

ClinVar aggregate classification (germline): Uncertain significance (1 of 4 stars; one submission).

Submission:

Labcorp Genetics (formerly Invitae), Labcorp
Classification: Uncertain significance. Last evaluated: 2021-05-27. Review status: criteria provided, single submitter. Criteria: Invitae Variant Classification Sherloc (09022015). Collection method: clinical testing. Allele origin: germline.
Comment: In summary, the available evidence is currently insufficient to determine the role of this variant in disease. Therefore, it has been classified as a Variant of Uncertain Significance. This variant has not been reported in the literature in individuals with COL4A6-related conditions. This variant is a gross deletion of the genomic region encompassing exon(s) 1 of the COL4A6 gene, which includes the initiator codon. The 5' end of this event is unknown as it extends beyond the assayed region for this gene and therefore may encompass additional genes. The 3' boundary is likely confined to intron 1 of the COL4A6 gene. It is expected to result in an absent or disrupted protein product. However, the current clinical and genetic evidence is not sufficient to establish whether loss-of-function variants in COL4A6 cause disease.

NC_000023.10:g.(?_107682568)_(107683456_?)del

Genes: COL4A5 (collagen type IV alpha 5 chain; plus strand), COL4A6 (collagen type IV alpha 6 chain; minus strand). Cytogenetic location: Xq22.3.
Variant type: Deletion.
Identifiers: ClinVar variation 2424258 (VCV002424258.4).